The following is an entry in ClinVar:

ClinVar aggregate classification (germline): Uncertain significance (1 of 4 stars; one submission).

Submission:

Greenwood Genetic Center Diagnostic Laboratories, Greenwood Genetic Center
Classification: Uncertain significance. Last evaluated: 2025-01-09. Review status: criteria provided, single submitter. Criteria: ACMG Guidelines, 2015. Collection method: clinical testing. Allele origin: germline.
Comment: PM2, PP2, PP3

NM_000827.4(GRIA1):c.1937C>T (p.Pro646Leu)

Gene: GRIA1 (glutamate ionotropic receptor AMPA type subunit 1; plus strand). Cytogenetic location: 5q33.2.
Variant type: single nucleotide variant.
Coding change: c.1937C>T on transcript NM_000827.4 (MANE Select); coding-DNA position 1937, C replaced by T.
Protein change: p.Pro646Leu; replaces proline 646 with leucine.
Molecular consequence: missense variant. On other transcripts: non-coding transcript variant (2).
Genome position (GRCh38, 1-based): chr5:153,764,547, C>T. VCF-style: chr5-153764547-C-T. GRCh37 (hg19) VCF-style: chr5-153144107-C-T.
Other names: c.1937C>T, p.Pro646Leu (NM_001114183.2); c.1697C>T, p.Pro566Leu (NM_001258019.2); c.1652C>T, p.Pro551Leu (NM_001258020.2); c.1967C>T, p.Pro656Leu (NM_001258021.2, NM_001258022.2); c.1730C>T, p.Pro577Leu (NM_001258023.1, NM_001364167.2); c.1769C>T, p.Pro590Leu (NM_001364165.2); c.1964C>T, p.Pro655Leu (NM_001364166.2); short protein forms P551L, P566L, P577L, P590L, P646L, P655L, P656L.
Identifiers: ClinVar variation 4851745 (VCV004851745.1).
Genomic context (GRCh38, chr5:153,764,547, plus strand): 5'-TCATCTCCTCATATACAGCCAATCTGGCCGCCTTCCTGACCGTGGAGAGGATGGTGTCTC[C>T]CATTGAGAGTGCAGAGGACCTAGCGAAGCAGACAGAAATTGCCTACGGGACGCTGGAAGC-3'
Protein context (NP_000818.2, residues 636-656): AFLTVERMVS[Pro646Leu]IESAEDLAKQ